The following is an entry in ClinVar:

NM_145038.5(DRC1):c.1164-9C>T

Gene: DRC1 (dynein regulatory complex subunit 1; plus strand). Cytogenetic location: 2p23.3.
Variant type: single nucleotide variant.
Coding change: c.1164-9C>T on transcript NM_145038.5 (MANE Select); 9 bases into the intron before coding-DNA position 1164, C replaced by T.
Molecular consequence: intron variant.
Genome position (GRCh38, 1-based): chr2:26,444,707, C>T. VCF-style: chr2-26444707-C-T. GRCh37 (hg19) VCF-style: chr2-26667575-C-T.
Other names: c.1164-9C>T (NM_145038.4).
Identifiers: ClinVar variation 2793252 (VCV002793252.5), dbSNP rs781189009, ClinGen allele CA1562163.

ClinVar aggregate classification (germline): Likely benign. Review status: criteria provided, single submitter (1 of 4 stars). 2 submissions from 2 submitters: Likely benign (1). 1 of the submissions does not count toward it. Last evaluated 2022-12-24.

Conditions:
DRC1-related disorder. Also called: DRC1-related condition.
Primary ciliary dyskinesia. Also called: Ciliary dyskinesia. Identifiers: Orphanet 244, MedGen C0008780, MONDO:0016575, HP:0012265.

Allele frequency attached by ClinVar (database versions not stated): ExAC 0.00002; gnomAD 0.00002; gnomAD exomes 0.00002; TOPMed 0.00002.
gnomAD v4.1: 36 of 1,612,970 alleles (0.0022%); highest among the groups gnomAD compares: Admixed American, 0.01%; no homozygotes.

Submissions (2):

Labcorp Genetics (formerly Invitae), Labcorp
Classification: Likely benign for Primary ciliary dyskinesia. Last evaluated: 2022-12-24. Review status: criteria provided, single submitter. Criteria: Invitae Variant Classification Sherloc (09022015). Collection method: clinical testing. Allele origin: germline.

PreventionGenetics, part of Exact Sciences
Classification: Likely benign for DRC1-related condition. Last evaluated: 2019-06-12. Review status: no assertion criteria provided. Collection method: clinical testing. Allele origin: germline. Not counted in ClinVar's aggregate classification.
Comment: This variant is classified as likely benign based on ACMG/AMP sequence variant interpretation guidelines (Richards et al. 2015 PMID: 25741868, with internal and published modifications).